The following is an entry in ClinVar:

NM_000218.3(KCNQ1):c.1661T>C (p.Val554Ala)

Gene: KCNQ1 (potassium voltage-gated channel subfamily Q member 1; plus strand). Cytogenetic location: 11p15.5.
Variant type: single nucleotide variant.
Coding change: c.1661T>C on transcript NM_000218.3 (MANE Select); coding-DNA position 1661, T replaced by C.
Protein change: p.Val554Ala; replaces valine 554 with alanine.
Molecular consequence: missense variant.
Genome position (GRCh38, 1-based): chr11:2,776,030, T>C. VCF-style: chr11-2776030-T-C. GRCh37 (hg19) VCF-style: chr11-2797260-T-C.
Other names: c.1661T>C (LRG_287t1); c.1565T>C, p.Val522Ala (NM_001406836.1); c.1391T>C, p.Val464Ala (NM_001406837.1); c.1121T>C, p.Val374Ala (NM_001406838.1); c.1280T>C, p.Val427Ala (NM_181798.2); short protein forms V554A, V427A, V374A, V464A, V522A.
Identifiers: ClinVar variation 53002 (VCV000053002.3), dbSNP rs199473481, ClinGen allele CA006128.

ClinVar aggregate classification (germline): not provided (0 of 4 stars; one submission).

Conditions:
Familial long QT syndrome (RWS). Also called: Congenital long QT syndrome; Romano-Ward syndrome; VENTRICULAR FIBRILLATION WITH PROLONGED QT INTERVAL. Identifiers: Orphanet 768, MedGen C1141890, MONDO:0019171.

Submission:

Cardiovascular Biomedical Research Unit, Royal Brompton & Harefield NHS Foundation Trust
No classification provided. Condition: Familial long QT syndrome. Review status: no classification provided. Collection method: literature only. Allele origin: germline.
Comment: This variant has been reported as associated with Long QT syndrome in the following publications (PMID:16414944). This is a literature report, and does not necessarily reflect the clinical interpretation of the Imperial College / Royal Brompton Cardiovascular Genetics laboratory.

Literature cited by the submitters: PubMed 16414944; PubMed 22581653.